The following is an entry in ClinVar:

NM_000051.4(ATM):c.6372C>T (p.Tyr2124=)

Genes: ATM (ATM serine/threonine kinase; plus strand), C11orf65 (chromosome 11 open reading frame 65; minus strand). Cytogenetic location: 11q22.3.
Variant type: single nucleotide variant.
Coding change: c.6372C>T on transcript NM_000051.4 (MANE Select); coding-DNA position 6372, C replaced by T.
Protein change: p.Tyr2124=; no amino-acid change (tyrosine 2124 retained).
Molecular consequence: synonymous variant. On other transcripts: intron variant (2).
Genome position (GRCh38, 1-based): chr11:108,319,978, C>T. VCF-style: chr11-108319978-C-T. GRCh37 (hg19) VCF-style: chr11-108190705-C-T.
Other names: c.6372C>T, p.Tyr2124= (NM_001351834.2); c.641-10907G>A (NM_001330368.2); c.*39-10907G>A (NM_001351110.2).
Identifiers: ClinVar variation 826359 (VCV000826359.13), dbSNP rs904589402, ClinGen allele CA476676067.

ClinVar aggregate classification (germline): Benign/Likely benign. Review status: criteria provided, multiple submitters, no conflicts (2 of 4 stars). 3 submissions from 3 submitters: Benign (1); Likely benign (2). Last evaluated 2024-07-01.

Conditions:
Familial cancer of breast. Also called: Hereditary breast cancer; BREAST CANCER, FAMILIAL; hereditary breast carcinoma. Identifiers: Orphanet 227535, MedGen C0346153, MONDO:0016419, OMIM 114480. Disease mechanism: loss of function.
Hereditary cancer-predisposing syndrome. Also called: Tumor predisposition; Neoplastic Syndromes, Hereditary; Hereditary Cancer Syndrome; Hereditary neoplastic syndrome. Identifiers: Orphanet 140162, MedGen C0027672, MeSH D009386, MONDO:0015356.
Ataxia-telangiectasia syndrome (AT). Also called: ATAXIA-TELANGIECTASIA, COMPLEMENTATION GROUP A; ATAXIA-TELANGIECTASIA, FRESNO VARIANT; Ataxia-telangiectasia; Ataxia-telangiectasia, complementation group D; AT, COMPLEMENTATION GROUP C; Ataxia-telangiectasia, complementation group E. Identifiers: Orphanet 100, MedGen C0004135, MONDO:0008840, OMIM 208900.

Allele frequency attached by ClinVar (database versions not stated): TOPMed 0.00001.
gnomAD v4.1: 1 of 1,612,306 alleles (0.000062%); highest among the groups gnomAD compares: Non-Finnish European, 0.000085%; no homozygotes.

Submissions (3):

Labcorp Genetics (formerly Invitae), Labcorp
Classification: Likely benign for Ataxia-telangiectasia syndrome. Last evaluated: 2024-07-01. Review status: criteria provided, single submitter. Criteria: Invitae Variant Classification Sherloc (09022015). Collection method: clinical testing. Allele origin: germline.

Myriad Genetics, Inc.
Classification: Benign for Familial cancer of breast. Last evaluated: 2024-06-06. Review status: criteria provided, single submitter. Criteria: Myriad Autosomal Dominant, Autosomal Recessive and X-Linked Classification Criteria (2023). Collection method: clinical testing. Allele origin: unknown.
Comment: This variant is considered benign. This variant is a silent/synonymous amino acid change and it is not expected to impact splicing.

Ambry Genetics
Classification: Likely benign for Hereditary cancer-predisposing syndrome. Last evaluated: 2019-08-01. Review status: criteria provided, single submitter. Criteria: Ambry Variant Classification Scheme 2023. Collection method: clinical testing. Allele origin: germline.